The following is an entry in ClinVar:

ClinVar aggregate classification (germline): Uncertain significance (1 of 4 stars; one submission).

Conditions:
Hereditary cancer-predisposing syndrome. Also called: Neoplastic Syndromes, Hereditary; Tumor predisposition; Hereditary neoplastic syndrome; Hereditary Cancer Syndrome. Identifiers: Orphanet 140162, MedGen C0027672, MeSH D009386, MONDO:0015356.

Submission:

Labcorp Genetics (formerly Invitae), Labcorp
Classification: Uncertain significance for Hereditary cancer-predisposing syndrome. Last evaluated: 2018-02-24. Review status: criteria provided, single submitter. Criteria: Invitae Variant Classification Sherloc (09022015). Collection method: clinical testing. Allele origin: germline.
Comment: In summary, the available evidence is currently insufficient to determine the role of this variant in disease. Therefore, it has been classified as a Variant of Uncertain Significance. Algorithms developed to predict the effect of missense changes on protein structure and function do not agree on the potential impact of this missense change (SIFT: "Deleterious"; PolyPhen-2: "Probably Damaging"; Align-GVGD: "Class C0"). This variant has not been reported in the literature in individuals with RAD50-related disease. This variant is not present in population databases (ExAC no frequency). This sequence change replaces glycine with aspartic acid at codon 11 of the RAD50 protein (p.Gly11Asp). The glycine residue is highly conserved and there is a moderate physicochemical difference between glycine and aspartic acid.

NM_005732.4(RAD50):c.32G>A (p.Gly11Asp)

Gene: RAD50 (RAD50 double strand break repair protein; plus strand). Cytogenetic location: 5q31.1.
Variant type: single nucleotide variant.
Coding change: c.32G>A on transcript NM_005732.4 (MANE Select); coding-DNA position 32, G replaced by A.
Protein change: p.Gly11Asp; replaces glycine 11 with aspartic acid.
Molecular consequence: missense variant.
Genome position (GRCh38, 1-based): chr5:132,557,356, G>A. VCF-style: chr5-132557356-G-A. GRCh37 (hg19) VCF-style: chr5-131893048-G-A.
Other names: short protein forms G11D.
Identifiers: ClinVar variation 579399 (VCV000579399.9), dbSNP rs1561626939, ClinGen allele CA360950898.